The following is an entry in ClinVar:

ClinVar aggregate classification (germline): Conflicting classifications of pathogenicity. Review status: criteria provided, conflicting classifications (1 of 4 stars). 3 submissions from 3 submitters: Uncertain significance (1); Likely benign (2). Last evaluated 2025-06-23.

Conditions:
Inborn genetic diseases. Identifiers: MedGen C0950123, MeSH D030342.
Severe neurodegenerative syndrome with lipodystrophy. Also called: Encephalopathy, progressive, with or without lipodystrophy; ENCEPHALOPATHY, PROGRESSIVE, WITH LIPODYSTROPHY. Identifiers: Orphanet 363400, MedGen C4014700, MONDO:0014402, OMIM 615924.
Charcot-Marie-Tooth disease type 2. Also called: Charcot-Marie-Tooth type 2. Identifiers: Orphanet 64746, MedGen C0270914, MONDO:0018993.

Allele frequency attached by ClinVar (database versions not stated): gnomAD 0.00001; TOPMed 0.00001; ExAC 0.00002.
gnomAD v4.1: 22 of 1,613,548 alleles (0.0014%); highest among the groups gnomAD compares: Middle Eastern, 0.016%; no homozygotes.

Submissions (3):

Labcorp Genetics (formerly Invitae), Labcorp
Classification: Likely benign for Charcot-Marie-Tooth disease type 2. Last evaluated: 2025-06-23. Review status: criteria provided, single submitter. Criteria: Invitae Variant Classification Sherloc (09022015). Collection method: clinical testing. Allele origin: germline.

Baylor Genetics
Classification: Uncertain significance for Severe neurodegenerative syndrome with lipodystrophy. Last evaluated: 2020-09-03. Review status: criteria provided, single submitter. Criteria: ACMG Guidelines, 2015. Collection method: clinical testing. Allele origin: unknown. Affected: yes.
Comment: This variant was determined to be of uncertain significance according to ACMG Guidelines, 2015 [PMID:25741868].

Ambry Genetics
Classification: Likely benign for Inborn genetic diseases. Last evaluated: 2019-07-11. Review status: criteria provided, single submitter. Criteria: Ambry Variant Classification Scheme 2023. Collection method: clinical testing. Allele origin: germline.

NM_001122955.4(BSCL2):c.1101G>A (p.Pro367=)

Genes: BSCL2 (BSCL2 lipid droplet biogenesis associated, seipin; minus strand), HNRNPUL2-BSCL2 (HNRNPUL2-BSCL2 readthrough (NMD candidate); minus strand). Cytogenetic location: 11q12.3.
Variant type: single nucleotide variant.
Coding change: c.1101G>A on transcript NM_001122955.4 (MANE Select); coding-DNA position 1101, G replaced by A.
Protein change: p.Pro367=; no amino-acid change (proline 367 retained).
Molecular consequence: synonymous variant. On other transcripts: non-coding transcript variant (1), missense variant (1).
Genome position (GRCh38, 1-based): chr11:62,690,839, C>T on the plus strand (G>A on the coding strand, the complement: BSCL2 is on the minus strand). VCF-style: chr11-62690839-C-T. GRCh37 (hg19) VCF-style: chr11-62458311-C-T.
Other names: c.767G>A, p.Arg256His (NM_001130702.2); c.1107G>A, p.Pro369= (NM_001386027.1); c.1101G>A, p.Pro367= (NM_001386028.1); c.909G>A, p.Pro303= (NM_032667.6); short protein forms R256H.
Identifiers: ClinVar variation 543290 (VCV000543290.11), dbSNP rs746737457, ClinGen allele CA6053327.